The following is an entry in ClinVar:

NM_000038.6(APC):c.5613T>C (p.Asp1871=)

Gene: APC (APC regulator of Wnt signaling pathway; plus strand). Cytogenetic location: 5q22.2.
Variant type: single nucleotide variant.
Coding change: c.5613T>C on transcript NM_000038.6 (MANE Select); coding-DNA position 5613, T replaced by C.
Protein change: p.Asp1871=; no amino-acid change (aspartic acid 1871 retained).
Molecular consequence: synonymous variant. On other transcripts: non-coding transcript variant (2).
Genome position (GRCh38, 1-based): chr5:112,841,207, T>C. VCF-style: chr5-112841207-T-C. GRCh37 (hg19) VCF-style: chr5-112176904-T-C.
Other names: c.5613T>C, p.Asp1871= (NM_001127510.3, NM_001354895.2, NM_001407450.1); c.5559T>C, p.Asp1853= (NM_001127511.3); c.5667T>C, p.Asp1889= (NM_001354896.2, NM_001407447.1, NM_001407448.1 and 1 more transcripts); c.5643T>C, p.Asp1881= (NM_001354897.2); c.5538T>C, p.Asp1846= (NM_001354898.2); c.5529T>C, p.Asp1843= (NM_001354899.2); c.5490T>C, p.Asp1830= (NM_001354900.2); c.5436T>C, p.Asp1812= (NM_001354901.2, NM_001407453.1); and 11 more.
Identifiers: ClinVar variation 3254434 (VCV003254434.3), dbSNP rs2149944607.

ClinVar aggregate classification (germline): Benign/Likely benign. Review status: criteria provided, multiple submitters, no conflicts (2 of 4 stars). 2 submissions from 2 submitters: Benign (1); Likely benign (1). Last evaluated 2024-04-02.

Conditions:
Familial adenomatous polyposis 1 (FAP1). Also called: FAMILIAL ADENOMATOUS POLYPOSIS 1, ATTENUATED; POLYPOSIS, ADENOMATOUS INTESTINAL. Identifiers: MedGen C2713442, MONDO:0021056, OMIM 175100. Disease mechanism: loss of function.

Submissions (2):

Myriad Genetics, Inc.
Classification: Benign for Familial adenomatous polyposis 1. Last evaluated: 2024-04-02. Review status: criteria provided, single submitter. Criteria: Myriad Autosomal Dominant, Autosomal Recessive and X-Linked Classification Criteria (2023). Collection method: clinical testing. Allele origin: unknown.
Comment: This variant is considered benign. This variant is a silent/synonymous amino acid change and it is not expected to impact splicing.

Labcorp Genetics (formerly Invitae), Labcorp
Classification: Likely benign for Familial adenomatous polyposis 1. Last evaluated: 2024-02-13. Review status: criteria provided, single submitter. Criteria: Invitae Variant Classification Sherloc (09022015). Collection method: clinical testing. Allele origin: germline.